The following is an entry in ClinVar:

NM_005787.6(ALG3):c.796C>T (p.Arg266Cys)

Gene: ALG3 (ALG3 alpha-1,3- mannosyltransferase; minus strand). Cytogenetic location: 3q27.1.
Variant type: single nucleotide variant.
Coding change: c.796C>T on transcript NM_005787.6 (MANE Select); coding-DNA position 796, C replaced by T.
Protein change: p.Arg266Cys; replaces arginine 266 with cysteine.
Molecular consequence: missense variant. On other transcripts: non-coding transcript variant (2).
Genome position (GRCh38, 1-based): chr3:184,243,927, G>A on the plus strand (C>T on the coding strand, the complement: ALG3 is on the minus strand). VCF-style: chr3-184243927-G-A. GRCh37 (hg19) VCF-style: chr3-183961715-G-A.
Other names: c.796C>T (NM_005787.5); c.652C>T, p.Arg218Cys (NM_001006941.2); short protein forms R218C, R266C.
Identifiers: ClinVar variation 1184848 (VCV001184848.6), dbSNP rs747953768, ClinGen allele CA2729416.

ClinVar aggregate classification (germline): Pathogenic. Review status: criteria provided, multiple submitters, no conflicts (2 of 4 stars). 3 submissions from 3 submitters: Pathogenic (2). 1 of the submissions does not count toward it. Last evaluated 2025-01-08.

Conditions:
ALG3-congenital disorder of glycosylation. Also called: CONGENITAL DISORDER OF GLYCOSYLATION, TYPE Id; CDG Id; ALG3-CDG; CARBOHYDRATE-DEFICIENT GLYCOPROTEIN SYNDROME, TYPE IV; CDGS, TYPE IV. Identifiers: Orphanet 79321, MedGen C1832736, MONDO:0010998, OMIM 601110.

Allele frequency attached by ClinVar (database versions not stated): gnomAD exomes below 0.00001; ExAC 0.00001.
gnomAD v4.1: 6 of 1,613,922 alleles (0.00037%); highest among the groups gnomAD compares: African/African-American, 0.0013%; no homozygotes.

Submissions (3):

Women's Health and Genetics/Laboratory Corporation of America, LabCorp
Classification: Pathogenic for ALG3-congenital disorder of glycosylation. Last evaluated: 2025-01-08. Review status: criteria provided, single submitter. Criteria: LabCorp Variant Classification Summary - May 2015. Collection method: clinical testing. Allele origin: germline.
Comment: Variant summary: ALG3 c.796C>T (p.Arg266Cys) results in a non-conservative amino acid change in the encoded protein sequence. Five of five in-silico tools predict a damaging effect of the variant on protein function. The variant allele was found at a frequency of 4e-06 in 248496 control chromosomes (gnomAD). c.796C>T has been reported in the literature in multiple homozygous individuals affected with ALG3-congenital disorder of glycosylation (e.g. Schollen_2005, Alsharhan_2021, Chen_2019, Lam_2024). These data indicate that the variant is very likely to be associated with disease. To our knowledge, no experimental evidence demonstrating an impact on protein function has been reported. The following publications have been ascertained in the context of this evaluation (PMID: 16053906, 33583022, 30770376, 38959600). ClinVar contains an entry for this variant (Variation ID: 1184848). Based on the evidence outlined above, the variant was classified as pathogenic.

GeneDx
Classification: Pathogenic. Last evaluated: 2024-08-29. Review status: criteria provided, single submitter. Criteria: GeneDx Variant Classification Process June 2021. Collection method: clinical testing. Allele origin: germline. Affected: yes.
Comment: In silico analysis supports that this missense variant has a deleterious effect on protein structure/function; Not observed at a significant frequency in large population cohorts (gnomAD); This variant is associated with the following publications: (PMID: 16053906, 30770376, 32685345, 33583022)

University of Washington Center for Mendelian Genomics, University of Washington
Classification: Pathogenic for ALG3-congenital disorder of glycosylation. Review status: no assertion criteria provided. Collection method: research. Allele origin: inherited. Affected: yes. Not counted in ClinVar's aggregate classification.

Literature cited by the submitters: PubMed 33583022 (cited by Women's Health and Genetics/Laboratory Corporation of America, LabCorp and University of Washington Center for Mendelian Genomics, University of Washington); PubMed 38959600 (cited by Women's Health and Genetics/Laboratory Corporation of America, LabCorp); PubMed 30770376 (cited by Women's Health and Genetics/Laboratory Corporation of America, LabCorp); PubMed 16053906 (cited by Women's Health and Genetics/Laboratory Corporation of America, LabCorp).